The following is an entry in ClinVar:

ClinVar aggregate classification (germline): Uncertain significance (1 of 4 stars; one submission).

Allele frequency attached by ClinVar (database versions not stated): ExAC 0.00002.

Submission:

CeGaT Center for Human Genetics Tuebingen
Classification: Uncertain significance. Last evaluated: 2022-08-01. Review status: criteria provided, single submitter. Criteria: CeGaT Center For Human Genetics Tuebingen Variant Classification Criteria Version 2. Collection method: clinical testing. Allele origin: germline. Affected: yes. Observed: 1 variant allele.
Comment: SHANK3: PP2

NM_001372044.2(SHANK3):c.3566C>T (p.Ala1189Val)

Gene: SHANK3 (SH3 and multiple ankyrin repeat domains 3; plus strand). Cytogenetic location: 22q13.33.
Variant type: single nucleotide variant.
Coding change: c.3566C>T on transcript NM_001372044.2 (MANE Select); coding-DNA position 3566, C replaced by T.
Protein change: p.Ala1189Val; replaces alanine 1189 with valine.
Molecular consequence: missense variant.
Genome position (GRCh38, 1-based): chr22:50,721,174, C>T. VCF-style: chr22-50721174-C-T. GRCh37 (hg19) VCF-style: chr22-51159602-C-T.
Other names: c.3341C>T, p.Ala1114Val (NM_033517.1); short protein forms A1114V, A1189V.
Identifiers: ClinVar variation 2653426 (VCV002653426.24), dbSNP rs766888476, ClinGen allele CA10326005.